The following is an entry in ClinVar:

ClinVar aggregate classification (germline): Uncertain significance (1 of 4 stars; one submission).

Submission:

Labcorp Genetics (formerly Invitae), Labcorp
Classification: Uncertain significance. Last evaluated: 2022-11-08. Review status: criteria provided, single submitter. Criteria: Invitae Variant Classification Sherloc (09022015). Collection method: clinical testing. Allele origin: germline.
Comment: In summary, the available evidence is currently insufficient to determine the role of this variant in disease. Therefore, it has been classified as a Variant of Uncertain Significance. Experimental studies and prediction algorithms are not available or were not evaluated, and the functional significance of this variant is currently unknown. This variant has not been reported in the literature in individuals affected with FAM20C-related conditions. This variant results in a copy number gain of the genomic region encompassing exon(s) 1-3 of the FAM20C gene. This region includes the initiator codon of the gene. This copy number gain extends beyond the assayed region for this gene and therefore may encompass additional genes. As the precise location of this event is unknown, it may be in tandem or it may be located elsewhere in the genome.

NC_000007.13:g.(?_193200)_(208996_?)dup

Gene: FAM20C (FAM20C golgi associated secretory pathway kinase; plus strand). Cytogenetic location: 7p22.3.
Variant type: Duplication.
Identifiers: ClinVar variation 2426530 (VCV002426530.4).